The following is an entry in ClinVar:

ClinVar aggregate classification (germline): Pathogenic (1 of 4 stars; one submission).

Conditions:
Primary ciliary dyskinesia. Also called: Ciliary dyskinesia. Identifiers: Orphanet 244, MedGen C0008780, MONDO:0016575, HP:0012265.

Submission:

Labcorp Genetics (formerly Invitae), Labcorp
Classification: Pathogenic for Primary ciliary dyskinesia. Last evaluated: 2023-03-17. Review status: criteria provided, single submitter. Criteria: Invitae Variant Classification Sherloc (09022015). Collection method: clinical testing. Allele origin: unknown.
Comment: For these reasons, this variant has been classified as Pathogenic. This variant has not been reported in the literature in individuals affected with CCDC39-related conditions. This variant is a gross deletion of the genomic region encompassing exon(s) 12-13 of the CCDC39 gene. This deletion is out-of-frame, and is expected to create a premature termination codon and result in an absent or disrupted protein product. Loss-of-function variants in CCDC39 are known to be pathogenic (PMID: 21131972, 23255504).

Literature cited by the submitters: PubMed 21131972; PubMed 23255504.

NC_000003.11:g.(?_180359761)_(180362065_?)del

Gene: CCDC39 (coiled-coil domain 39 molecular ruler complex subunit; minus strand). Cytogenetic location: 3q26.33.
Variant type: Deletion.
Identifiers: ClinVar variation 3246789 (VCV003246789.1).